The following is an entry in ClinVar:

ClinVar aggregate classification (germline): Likely benign. Review status: criteria provided, multiple submitters, no conflicts (2 of 4 stars). 4 submissions from 4 submitters: Likely benign (4). Last evaluated 2025-01-08.

Conditions:
Charcot-Marie-Tooth disease type 2. Also called: Charcot-Marie-Tooth type 2. Identifiers: Orphanet 64746, MedGen C0270914, MONDO:0018993.

Allele frequency attached by ClinVar (database versions not stated): gnomAD 0.00001 and 0.00002; TOPMed 0.00002; gnomAD exomes 0.00004 and 0.00002; ExAC 0.00002.

Submissions (4):

ARUP Laboratories, Molecular Genetics and Genomics, ARUP Laboratories
Classification: Likely benign. Last evaluated: 2025-01-08. Review status: criteria provided, single submitter. Criteria: ARUP Molecular Germline Variant Investigation Process 2024. Collection method: clinical testing. Allele origin: germline.

Mayo Clinic Laboratories, Mayo Clinic
Classification: Likely benign. Last evaluated: 2024-12-30. Review status: criteria provided, single submitter. Criteria: ACMG Guidelines, 2015. Collection method: clinical testing. Allele origin: germline. Observed: 1 variant allele.
Comment: BP4, BP7

Labcorp Genetics (formerly Invitae), Labcorp
Classification: Likely benign for Charcot-Marie-Tooth disease type 2. Last evaluated: 2024-09-12. Review status: criteria provided, single submitter. Criteria: Invitae Variant Classification Sherloc (09022015). Collection method: clinical testing. Allele origin: germline.

GeneDx
Classification: Likely benign. Last evaluated: 2017-03-20. Review status: criteria provided, single submitter. Criteria: GeneDx Variant Classification (06012015). Collection method: clinical testing. Allele origin: germline. Affected: yes.
Comment: This variant is considered likely benign or benign based on one or more of the following criteria: it is a conservative change, it occurs at a poorly conserved position in the protein, it is predicted to be benign by multiple in silico algorithms, and/or has population frequency not consistent with disease.

NM_002047.4(GARS1):c.1031+9del

Gene: GARS1 (glycyl-tRNA synthetase 1; plus strand). Cytogenetic location: 7p14.3.
Variant type: Deletion.
Coding change: c.1031+9del on transcript NM_002047.4 (MANE Select); 9 bases into the intron after coding-DNA position 1031, one base deleted (C; older notation c.1031+9delC).
Molecular consequence: intron variant.
Genome position (GRCh38, 1-based): chr7:30,612,254, C deleted. VCF-style (leftmost placement, unchanged base first): chr7-30612253-TC-T. GRCh37 (hg19) VCF-style: chr7-30651869-TC-T.
Other names: p.?; c.1031+9del (LRG_243t1, NM_002047.2); c.869+9del (NM_001316772.1).
Identifiers: ClinVar variation 508195 (VCV000508195.13), dbSNP rs746178135, ClinGen allele CA4205865.
Genomic context (GRCh38, chr7:30,612,253, plus strand): 5'-GGAAATTCTTTTAGAAATGAGATCTCCCCTCGATCTGGACTGATCAGAGTCAGGTACTGC[TC>T]AGGTTACTCTTACAAATTAGTGAATGACCTTGGCATTGCATTGAAAATGAAAGCTTGCTG-3'